The following is an entry in ClinVar:

ClinVar aggregate classification (germline): Uncertain significance (1 of 4 stars; one submission).

Conditions:
Long QT syndrome (LQTS). Identifiers: MedGen C0023976, MeSH D008133, MONDO:0002442. Disease mechanism: loss of function. Inheritance: Various modes of inheritance.

gnomAD v4.1: 9 of 1,607,418 alleles (0.00056%); highest among the groups gnomAD compares: East Asian, 0.018%; no homozygotes.

Submission:

Labcorp Genetics (formerly Invitae), Labcorp
Classification: Uncertain significance for Long QT syndrome. Last evaluated: 2025-01-31. Review status: criteria provided, single submitter. Criteria: Invitae Variant Classification Sherloc (09022015). Collection method: clinical testing. Allele origin: germline.
Comment: This sequence change affects codon 933 of the CACNA1C mRNA. It is a 'silent' change, meaning that it does not change the encoded amino acid sequence of the CACNA1C protein. This variant is present in population databases (rs551710366, gnomAD 0.003%). This variant has not been reported in the literature in individuals affected with CACNA1C-related conditions. Algorithms developed to predict the effect of sequence changes on RNA splicing suggest that this variant may disrupt the consensus splice site. In summary, the available evidence is currently insufficient to determine the role of this variant in disease. Therefore, it has been classified as a Variant of Uncertain Significance.

NM_000719.7(CACNA1C):c.2799G>A (p.Leu933=)

Gene: CACNA1C (calcium voltage-gated channel subunit alpha1 C; plus strand). Cytogenetic location: 12p13.33.
Variant type: single nucleotide variant.
Coding change: c.2799G>A on transcript NM_000719.7 (MANE Select); coding-DNA position 2799, G replaced by A.
Protein change: p.Leu933=; no amino-acid change (leucine 933 retained).
Molecular consequence: synonymous variant. On other transcripts: intron variant (8).
Genome position (GRCh38, 1-based): chr12:2,597,235, G>A. VCF-style: chr12-2597235-G-A. GRCh37 (hg19) VCF-style: chr12-2706401-G-A.
Other names: c.2799G>A, p.Leu933= (NM_001129827.2, NM_001129829.2, NM_001129831.2 and 10 more transcripts); c.2790G>A, p.Leu930= (NM_001129844.2); c.2794-202G>A (NM_001129840.2, NM_001129836.2, NM_001129841.2 and 5 more transcripts).
Identifiers: ClinVar variation 3709796 (VCV003709796.2).